The following is an entry in ClinVar:

ClinVar aggregate classification (germline): Pathogenic (1 of 4 stars; one submission).

Conditions:
Cone-rod dystrophy 13 (CORD13). Identifiers: Orphanet 1872, MedGen C2750720, MONDO:0011987, OMIM 608194.
Leber congenital amaurosis 6 (LCA6). Identifiers: Orphanet 65, MedGen C1854260, MONDO:0013446, OMIM 613826.

Submission:

Labcorp Genetics (formerly Invitae), Labcorp
Classification: Pathogenic for Leber congenital amaurosis 6; Cone-rod dystrophy 13. Last evaluated: 2024-10-23. Review status: criteria provided, single submitter. Criteria: Invitae Variant Classification Sherloc (09022015). Collection method: clinical testing. Allele origin: germline.
Comment: This sequence change creates a premature translational stop signal (p.Tyr929Thrfs*8) in the RPGRIP1 gene. It is expected to result in an absent or disrupted protein product. Loss-of-function variants in RPGRIP1 are known to be pathogenic (PMID: 11528500, 23105016). This variant is not present in population databases (gnomAD no frequency). This variant has not been reported in the literature in individuals affected with RPGRIP1-related conditions. ClinVar contains an entry for this variant (Variation ID: 942879). For these reasons, this variant has been classified as Pathogenic.

Literature cited by the submitters: PubMed 11528500; PubMed 23105016.

NM_020366.4(RPGRIP1):c.2781del (p.Tyr929fs)

Gene: RPGRIP1 (RPGR interacting protein 1; plus strand). Cytogenetic location: 14q11.2.
Variant type: Deletion.
Coding change: c.2781del on transcript NM_020366.4 (MANE Select); coding-DNA position 2781, one base deleted (T; older notation c.2781delT).
Protein change: p.Tyr929fs; shifts the reading frame from tyrosine 929.
Molecular consequence: frameshift variant.
Genome position (GRCh38, 1-based): chr14:21,327,693, T deleted; the last of 3 consecutive T bases (chr14:21,327,691-21,327,693); deleting any one gives the same sequence. VCF-style (leftmost placement, unchanged base first): chr14-21327690-GT-G. GRCh37 (hg19) VCF-style: chr14-21795849-GT-G.
Other names: c.759del, p.Tyr255fs (NM_001377523.1, NM_001377950.1); c.1707del, p.Tyr571fs (NM_001377948.1); c.867del, p.Tyr291fs (NM_001377949.1); c.261del, p.Tyr89fs (NM_001377951.1); short protein forms Y929fs, Y255fs, Y291fs, Y571fs, Y89fs.
Identifiers: ClinVar variation 942879 (VCV000942879.7), dbSNP rs1883254940, ClinGen allele CA1139663398.